The following is an entry in ClinVar:

ClinVar aggregate classification (germline): Uncertain significance (1 of 4 stars; one submission).

Submission:

Labcorp Genetics (formerly Invitae), Labcorp
Classification: Uncertain significance. Last evaluated: 2022-08-16. Review status: criteria provided, single submitter. Criteria: Invitae Variant Classification Sherloc (09022015). Collection method: clinical testing. Allele origin: germline.
Comment: This sequence change replaces tyrosine, which is neutral and polar, with histidine, which is basic and polar, at codon 797 of the MYO5B protein (p.Tyr797His). This variant is not present in population databases (gnomAD no frequency). This variant has not been reported in the literature in individuals affected with MYO5B-related conditions. Algorithms developed to predict the effect of missense changes on protein structure and function output the following: SIFT: "Deleterious"; PolyPhen-2: "Benign"; Align-GVGD: "Class C0". The histidine amino acid residue is found in multiple mammalian species, which suggests that this missense change does not adversely affect protein function. In summary, the available evidence is currently insufficient to determine the role of this variant in disease. Therefore, it has been classified as a Variant of Uncertain Significance.

NM_001080467.3(MYO5B):c.2389T>C (p.Tyr797His)

Gene: MYO5B (myosin VB; minus strand). Cytogenetic location: 18q21.1.
Variant type: single nucleotide variant.
Coding change: c.2389T>C on transcript NM_001080467.3 (MANE Select); coding-DNA position 2389, T replaced by C.
Protein change: p.Tyr797His; replaces tyrosine 797 with histidine.
Molecular consequence: missense variant.
Genome position (GRCh38, 1-based): chr18:49,906,444, A>G on the plus strand (T>C on the coding strand, the complement: MYO5B is on the minus strand). VCF-style: chr18-49906444-A-G. GRCh37 (hg19) VCF-style: chr18-47432814-A-G.
Other names: short protein forms Y797H.
Identifiers: ClinVar variation 2030415 (VCV002030415.4), dbSNP rs2511280022, ClinGen allele CA402436034.